The following is an entry in ClinVar:

ClinVar aggregate classification (germline): Uncertain significance. Review status: criteria provided, multiple submitters, no conflicts (2 of 4 stars). 2 submissions from 2 submitters: Uncertain significance (2). Last evaluated 2024-01-23.

Conditions:
Hypertrophic cardiomyopathy 1 (CMH1). Also called: MYH7-Related Familial Hypertrophic Cardiomyopathy; Familial hypertrophic cardiomyopathy 1. Identifiers: MedGen C3495498, MONDO:0008647, OMIM 192600.

Allele frequency attached by ClinVar (database versions not stated): gnomAD exomes below 0.00001; ExAC 0.00001; gnomAD 0.00001; TOPMed 0.00002.
gnomAD v4.1: 2 of 1,612,576 alleles (0.00012%); highest among the groups gnomAD compares: African/African-American, 0.0027%; no homozygotes.

Submissions (2):

Ambry Genetics
Classification: Uncertain significance. Last evaluated: 2024-01-23. Review status: criteria provided, single submitter. Criteria: Ambry Variant Classification Scheme 2023. Collection method: clinical testing. Allele origin: germline.
Comment: The p.A96V variant (also known as c.287C>T), located in coding exon 2 of the MYLK2 gene, results from a C to T substitution at nucleotide position 287. The alanine at codon 96 is replaced by valine, an amino acid with similar properties. This amino acid position is conserved. In addition, this alteration is predicted to be tolerated by in silico analysis. Based on the available evidence, the clinical significance of this alteration remains unclear.

Labcorp Genetics (formerly Invitae), Labcorp
Classification: Uncertain significance for Hypertrophic cardiomyopathy 1. Last evaluated: 2018-12-17. Review status: criteria provided, single submitter. Criteria: Invitae Variant Classification Sherloc (09022015). Collection method: clinical testing. Allele origin: germline.
Comment: This sequence change replaces alanine with valine at codon 96 of the MYLK2 protein (p.Ala96Val). The alanine residue is moderately conserved and there is a small physicochemical difference between alanine and valine. This variant is present in population databases (rs772745416, ExAC 0.01%). This variant has not been reported in the literature in individuals with MYLK2-related conditions. Algorithms developed to predict the effect of missense changes on protein structure and function (SIFT, PolyPhen-2, Align-GVGD) all suggest that this variant is likely to be tolerated, but these predictions have not been confirmed by published functional studies and their clinical significance is uncertain. In summary, the available evidence is currently insufficient to determine the role of this variant in disease. Therefore, it has been classified as a Variant of Uncertain Significance.

NM_033118.4(MYLK2):c.287C>T (p.Ala96Val)

Gene: MYLK2 (myosin light chain kinase 2; plus strand). Cytogenetic location: 20q11.21.
Variant type: single nucleotide variant.
Coding change: c.287C>T on transcript NM_033118.4 (MANE Select); coding-DNA position 287, C replaced by T.
Protein change: p.Ala96Val; replaces alanine 96 with valine.
Molecular consequence: missense variant.
Genome position (GRCh38, 1-based): chr20:31,820,360, C>T. VCF-style: chr20-31820360-C-T. GRCh37 (hg19) VCF-style: chr20-30408163-C-T.
Other names: short protein forms A96V.
Identifiers: ClinVar variation 638887 (VCV000638887.9), dbSNP rs772745416, ClinGen allele CA9802886.